The following is an entry in ClinVar:

NM_001035.3(RYR2):c.11863C>A (p.Gln3955Lys)

Gene: RYR2 (ryanodine receptor 2; plus strand). Cytogenetic location: 1q43.
Variant type: single nucleotide variant.
Coding change: c.11863C>A on transcript NM_001035.3 (MANE Select); coding-DNA position 11863, C replaced by A.
Protein change: p.Gln3955Lys; replaces glutamine 3955 with lysine.
Molecular consequence: missense variant.
Genome position (GRCh38, 1-based): chr1:237,778,753, C>A. VCF-style: chr1-237778753-C-A. GRCh37 (hg19) VCF-style: chr1-237942053-C-A.
Other names: short protein forms Q3955K.
Identifiers: ClinVar variation 1804987 (VCV001804987.1), dbSNP rs1558393802, ClinGen allele CA345409505.

ClinVar aggregate classification (germline): Likely pathogenic (1 of 4 stars; one submission).

Conditions:
Catecholaminergic polymorphic ventricular tachycardia 1. Also called: VENTRICULAR TACHYCARDIA, CATECHOLAMINERGIC POLYMORPHIC, 1, WITH OR WITHOUT ATRIAL DYSFUNCTION AND/OR DILATED CARDIOMYOPATHY; RYR2-Related Catecholaminergic Polymorphic Ventricular Tachycardia; VENTRICULAR TACHYCARDIA, STRESS-INDUCED POLYMORPHIC 1. Identifiers: Orphanet 3286, MedGen C1631597, MONDO:0011484, OMIM 604772.

Submission:

Victorian Clinical Genetics Services, Murdoch Childrens Research Institute
Classification: Likely pathogenic for Catecholaminergic polymorphic ventricular tachycardia 1. Last evaluated: 2022-02-02. Review status: criteria provided, single submitter. Criteria: ACMG Guidelines, 2015. Collection method: clinical testing. Allele origin: germline. Inheritance: Autosomal dominant inheritance. Affected: yes.
Comment: Based on the classification scheme VCGS_Germline_v1.3.4, this variant is classified as Likely pathogenic. Following criteria are met: 0103 - Dominant negative and gain of function are known mechanisms of disease in this gene and are associated with catecholaminergic polymorphic ventricular tachycardia 1 (CPVT; MIM#604772) (PMIDs: 12459180, 27646203, 29477366). (I) 0107 - This gene is associated with autosomal dominant disease. (I) 0112 - The condition associated with this gene has incomplete penetrance. Penetrance for CPVT is estimated to be 60-70% (PMID: 23549275). (I) 0200 - Variant is predicted to result in a missense amino acid change from glutamine to lysine. (I) 0251 - This variant is heterozygous. (I) 0301 - Variant is absent from gnomAD (both v2 and v3). (SP) 0501 - Missense variant consistently predicted to be damaging by multiple in silico tools or highly conserved with a major amino acid change. (SP) 0602 - Variant is located in a hotspot region or cluster of pathogenic variants (Decipher; PMID: 30696458). (SP) 0710 - Other missense variants comparable to the one identified in this case have inconclusive previous evidence for pathogenicity. The p.(Gln3395Glu) variant has been classified once as likely pathogenic, primarily because it has been observed by Invitae in-house as de novo in CPVT individuals while the p.(Gln3395His) variant has been classified as a VUS (ClinVar). (I) 0807 - This variant has no previous evidence of pathogenicity. (I) 0905 - No published segregation evidence has been identified for this variant. (I) 1007 - No published functional evidence has been identified for this variant. (SP) Legend: (SP) - Supporting pathogenic, (I) - Information, (SB) - Supporting benign

Literature cited by the submitters: PubMed 12459180; PubMed 23549275; PubMed 27646203; PubMed 29477366; PubMed 30696458.